The following is an entry in ClinVar:

ClinVar aggregate classification (germline): Uncertain significance. Review status: criteria provided, multiple submitters, no conflicts (2 of 4 stars). 2 submissions from 2 submitters: Uncertain significance (2). Last evaluated 2025-03-11.

Conditions:
Short-rib thoracic dysplasia 6 with or without polydactyly (SRTD6). Also called: Majewski Syndrome; SHORT RIB-POLYDACTYLY SYNDROME, TYPE IIA; POLYDACTYLY WITH NEONATAL CHONDRODYSTROPHY, TYPE II; SHORT-RIB THORACIC DYSPLASIA 6 WITH POLYDACTYLY; SHORT-RIB THORACIC DYSPLASIA 6 WITHOUT POLYDACTYLY. Identifiers: MedGen C0024507, MONDO:0009894, OMIM 263520.

Allele frequency attached by ClinVar (database versions not stated): gnomAD exomes below 0.00001; TOPMed 0.00003; gnomAD 0.00004.

Submissions (2):

Labcorp Genetics (formerly Invitae), Labcorp
Classification: Uncertain significance for Short-rib thoracic dysplasia 6 with or without polydactyly. Last evaluated: 2025-03-11. Review status: criteria provided, single submitter. Criteria: Invitae Variant Classification Sherloc (09022015). Collection method: clinical testing. Allele origin: germline.
Comment: This sequence change replaces glutamic acid, which is acidic and polar, with glycine, which is neutral and non-polar, at codon 932 of the NEK1 protein (p.Glu932Gly). This variant is present in population databases (no rsID available, gnomAD 0.004%). This variant has not been reported in the literature in individuals affected with NEK1-related conditions. ClinVar contains an entry for this variant (Variation ID: 593771). Invitae Evidence Modeling of protein sequence and biophysical properties (such as structural, functional, and spatial information, amino acid conservation, physicochemical variation, residue mobility, and thermodynamic stability) indicates that this missense variant is not expected to disrupt NEK1 protein function with a negative predictive value of 80%. In summary, the available evidence is currently insufficient to determine the role of this variant in disease. Therefore, it has been classified as a Variant of Uncertain Significance.

Eurofins Ntd Llc (ga)
Classification: Uncertain significance. Last evaluated: 2017-08-24. Review status: criteria provided, single submitter. Criteria: EGL Classification Definitions 2015. Collection method: clinical testing. Allele origin: germline. Observed: 1 variant allele, 1 heterozygote.

NM_001199397.3(NEK1):c.2879A>G (p.Glu960Gly)

Gene: NEK1 (NIMA related kinase 1; minus strand). Cytogenetic location: 4q33.
Variant type: single nucleotide variant.
Coding change: c.2879A>G on transcript NM_001199397.3 (MANE Select); coding-DNA position 2879, A replaced by G.
Protein change: p.Glu960Gly; replaces glutamic acid 960 with glycine.
Molecular consequence: missense variant. On other transcripts: non-coding transcript variant (1).
Genome position (GRCh38, 1-based): chr4:169,433,551, T>C on the plus strand (A>G on the coding strand, the complement: NEK1 is on the minus strand). VCF-style: chr4-169433551-T-C. GRCh37 (hg19) VCF-style: chr4-170354702-T-C.
Other names: c.2747A>G, p.Glu916Gly (NM_001199398.3); c.2588A>G, p.Glu863Gly (NM_001199399.3); c.2663A>G, p.Glu888Gly (NM_001199400.3); c.2879A>G, p.Glu960Gly (NM_001374418.1); c.2795A>G, p.Glu932Gly (NM_001374419.1, NM_012224.4); c.2744A>G, p.Glu915Gly (NM_001374420.1); c.2396A>G, p.Glu799Gly (NM_001374421.1); short protein forms E932G, E960G, E916G, E863G, E888G, E799G, E915G.
Identifiers: ClinVar variation 593771 (VCV000593771.6), dbSNP rs913836342, ClinGen allele CA110546797.